The following is an entry in ClinVar:

ClinVar aggregate classification (germline): Uncertain significance (1 of 4 stars; one submission).

gnomAD v4.1: 1 of 1,614,194 alleles (0.000062%); highest among the groups gnomAD compares: Admixed American, 0.0017%; no homozygotes.

Submission:

Ambry Genetics
Classification: Uncertain significance. Last evaluated: 2026-03-09. Review status: criteria provided, single submitter. Criteria: Ambry Variant Classification Scheme 2023. Collection method: clinical testing. Allele origin: germline.
Comment: The p.Q286R variant (also known as c.857A>G), located in coding exon 1 of the CDK12 gene, results from an A to G substitution at nucleotide position 857. The glutamine at codon 286 is replaced by arginine, an amino acid with highly similar properties. This amino acid position is conserved. In addition, this alteration is predicted to be tolerated by in silico analysis. Based on the available evidence, the clinical significance of this variant remains unclear.

NM_016507.4(CDK12):c.857A>G (p.Gln286Arg)

Genes: CDK12 (cyclin dependent kinase 12; plus strand), LOC126862553 (CDK7 strongly-dependent group 2 enhancer GRCh37_chr17:37618166-37619365; plus strand). Cytogenetic location: 17q12.
Variant type: single nucleotide variant.
Coding change: c.857A>G on transcript NM_016507.4 (MANE Select); coding-DNA position 857, A replaced by G.
Protein change: p.Gln286Arg; replaces glutamine 286 with arginine.
Molecular consequence: missense variant.
Genome position (GRCh38, 1-based): chr17:39,462,928, A>G. VCF-style: chr17-39462928-A-G. GRCh37 (hg19) VCF-style: chr17-37619181-A-G.
Other names: c.857A>G, p.Gln286Arg (NM_015083.4); short protein forms Q286R.
Identifiers: ClinVar variation 4825951 (VCV004825951.1).
Genomic context (GRCh38, chr17:39,462,928, plus strand): 5'-CTGGAAGTACCTCGAGAAGGCAGTCGGTCAGTCCCCCTTACAAGGAGCCTTCGGCCTACC[A>G]GTCCAGCACCCGGTCACCGAGCCCCTACAGTAGGCGACAGAGATCTGTCAGTCCCTATAG-3'
Protein context (NP_057591.2, residues 276-296): SPPYKEPSAY[Gln286Arg]SSTRSPSPYS